The following is an entry in ClinVar:

NM_001166108.2(PALLD):c.709C>G (p.Pro237Ala)

Gene: PALLD (palladin, cytoskeletal associated protein; plus strand). Cytogenetic location: 4q32.3.
Variant type: single nucleotide variant.
Coding change: c.709C>G on transcript NM_001166108.2 (MANE Select); coding-DNA position 709, C replaced by G.
Protein change: p.Pro237Ala; replaces proline 237 with alanine.
Molecular consequence: missense variant.
Genome position (GRCh38, 1-based): chr4:168,512,213, C>G. VCF-style: chr4-168512213-C-G. GRCh37 (hg19) VCF-style: chr4-169433364-C-G.
Other names: c.709C>G, p.Pro237Ala (NM_016081.4); short protein forms P237A.
Identifiers: ClinVar variation 3304091 (VCV003304091.1).

ClinVar aggregate classification (germline): Uncertain significance (1 of 4 stars; one submission).

Submission:

Ambry Genetics
Classification: Uncertain significance. Last evaluated: 2024-05-17. Review status: criteria provided, single submitter. Criteria: Ambry Variant Classification Scheme 2023. Collection method: clinical testing. Allele origin: germline.
Comment: The p.P237A variant (also known as c.709C>G), located in coding exon 1 of the PALLD gene, results from a C to G substitution at nucleotide position 709. The proline at codon 237 is replaced by alanine, an amino acid with highly similar properties. This amino acid position is conserved. In addition, this alteration is predicted to be tolerated by in silico analysis. Based on the available evidence, the clinical significance of this variant remains unclear.